The following is an entry in ClinVar:

ClinVar aggregate classification (germline): Uncertain significance. Review status: criteria provided, multiple submitters, no conflicts (2 of 4 stars). 2 submissions from 2 submitters: Uncertain significance (2). Last evaluated 2026-01-26.

Conditions:
Myopathy, proximal, and ophthalmoplegia (CMYO6). Also called: INCLUSION BODY MYOPATHY 3, AUTOSOMAL DOMINANT; CONGENITAL MYOPATHY 6 WITH OPHTHALMOPLEGIA; MYOPATHY WITH CONGENITAL JOINT CONTRACTURES, OPHTHALMOPLEGIA, AND RIMMED VACUOLES. Identifiers: Orphanet 363677, Orphanet 79091, MedGen C1854106, MONDO:0011577, OMIM 605637.

Allele frequency attached by ClinVar (database versions not stated): ExAC 0.00001; gnomAD exomes 0.00001 and 0.00002; TOPMed 0.00002; gnomAD 0.00003.
gnomAD v4.1: 42 of 1,614,076 alleles (0.0026%); highest among the groups gnomAD compares: Admixed American, 0.005%; no homozygotes.

Submissions (2):

Labcorp Genetics (formerly Invitae), Labcorp
Classification: Uncertain significance for Myopathy, proximal, and ophthalmoplegia. Last evaluated: 2026-01-26. Review status: criteria provided, single submitter. Criteria: Invitae Variant Classification Sherloc (09022015). Collection method: clinical testing. Allele origin: germline.
Comment: This sequence change replaces arginine, which is basic and polar, with glutamine, which is neutral and polar, at codon 1147 of the MYH2 protein (p.Arg1147Gln). This variant is present in population databases (rs760262646, gnomAD 0.003%). This variant has not been reported in the literature in individuals affected with MYH2-related conditions. ClinVar contains an entry for this variant (Variation ID: 1006286). Invitae Evidence Modeling of protein sequence and biophysical properties (such as structural, functional, and spatial information, amino acid conservation, physicochemical variation, residue mobility, and thermodynamic stability) indicates that this missense variant is expected to disrupt MYH2 protein function with a positive predictive value of 80%. In summary, the available evidence is currently insufficient to determine the role of this variant in disease. Therefore, it has been classified as a Variant of Uncertain Significance.

Revvity Omics, Revvity
Classification: Uncertain significance for Myopathy, proximal, and ophthalmoplegia. Last evaluated: 2025-04-01. Review status: criteria provided, single submitter. Criteria: ACMG Guidelines, 2015. Collection method: clinical testing. Allele origin: germline.

NM_017534.6(MYH2):c.3440G>A (p.Arg1147Gln)

Genes: MYH2 (myosin heavy chain 2; minus strand), MYHAS (myosin heavy chain gene cluster antisense RNA; plus strand). Cytogenetic location: 17p13.1.
Variant type: single nucleotide variant.
Coding change: c.3440G>A on transcript NM_017534.6 (MANE Select); coding-DNA position 3440, G replaced by A.
Protein change: p.Arg1147Gln; replaces arginine 1147 with glutamine.
Molecular consequence: missense variant.
Genome position (GRCh38, 1-based): chr17:10,528,994, C>T on the plus strand (G>A on the coding strand, the complement: MYH2 is on the minus strand). VCF-style: chr17-10528994-C-T. GRCh37 (hg19) VCF-style: chr17-10432311-C-T.
Other names: c.3440G>A, p.Arg1147Gln (NM_001100112.2); short protein forms R1147Q.
Identifiers: ClinVar variation 1006286 (VCV001006286.6), dbSNP rs760262646, ClinGen allele CA8390893.